The following is an entry in ClinVar:

NM_003128.3(SPTBN1):c.6284_6294del (p.Glu2095fs)

Gene: SPTBN1 (spectrin beta, non-erythrocytic 1; plus strand). Cytogenetic location: 2p16.2.
Variant type: Microsatellite.
Coding change: c.6284_6294del on transcript NM_003128.3 (MANE Select); coding-DNA positions 6284 to 6294, 11 bases deleted (AGAGGAAGAGG).
Protein change: p.Glu2095fs; shifts the reading frame from glutamic acid 2095.
Molecular consequence: frameshift variant.
Genome position (GRCh38, 1-based): chr2:54,659,194-54,659,204, AGAGGAAGAGG deleted; deleting any 11 consecutive bases within chr2:54,659,183-54,659,204 gives the same sequence; the c. name uses the placement nearest the transcript's 3' end. VCF-style (leftmost placement, unchanged base first): chr2-54659182-AAGAGGAAGAGG-A. GRCh37 (hg19) VCF-style: chr2-54886319-AAGAGGAAGAGG-A.
Other names: c.6245_6255del, p.Glu2082fs (NM_178313.3); short protein forms E2082fs, E2095fs.
Identifiers: ClinVar variation 5030186 (VCV005030186.1).

ClinVar aggregate classification (germline): Pathogenic (1 of 4 stars; one submission).

Conditions:
Inborn genetic diseases. Identifiers: MedGen C0950123, MeSH D030342.

Submission:

Ambry Genetics
Classification: Pathogenic for Inborn genetic diseases. Last evaluated: 2026-07-02. Review status: criteria provided, single submitter. Criteria: Ambry Variant Classification Scheme 2023. Collection method: clinical testing. Allele origin: germline.
Comment: The c.6284_6294del11 (p.E2095Afs*37) alteration, located in exon 31 (coding exon 30) of the SPTBN1 gene, consists of a deletion of 11 nucleotides from position 6284 to 6294, causing a translational frameshift with a predicted alternate stop codon after 37 amino acids. This variant is expected to result in loss of function by premature protein truncation or nonsense-mediated mRNA decay. This variant was not reported in population-based cohorts in the Genome Aggregation Database (gnomAD). Based on the available evidence, this alteration is classified as pathogenic.